The following is an entry in ClinVar:

NM_015653.5(RIBC2):c.765C>T (p.Asp255=)

Gene: RIBC2 (RIB43A domain with coiled-coils 2; plus strand). Cytogenetic location: 22q13.31.
Variant type: single nucleotide variant.
Coding change: c.765C>T on transcript NM_015653.5 (MANE Select); coding-DNA position 765, C replaced by T.
Protein change: p.Asp255=; no amino-acid change (aspartic acid 255 retained).
Molecular consequence: synonymous variant.
Genome position (GRCh38, 1-based): chr22:45,426,037, C>T. VCF-style: chr22-45426037-C-T. GRCh37 (hg19) VCF-style: chr22-45821917-C-T.
Identifiers: ClinVar variation 2653287 (VCV002653287.24), dbSNP rs142579982, ClinGen allele CA10286226.

ClinVar aggregate classification (germline): Likely benign (1 of 4 stars; one submission).

Allele frequency attached by ClinVar (database versions not stated): 1000 Genomes Project 30x 0.00297; 1000 Genomes Project 0.00319; ESP Exome Variant Server 0.00331; TOPMed 0.00383; gnomAD 0.00403; ExAC 0.00461; gnomAD exomes 0.00523.
gnomAD v4.1: 8,257 of 1,614,012 alleles (0.51%); highest among the groups gnomAD compares: Middle Eastern, 0.74%; 31 homozygotes.

Submission:

CeGaT Center for Human Genetics Tuebingen
Classification: Likely benign. Last evaluated: 2022-08-01. Review status: criteria provided, single submitter. Criteria: CeGaT Center For Human Genetics Tuebingen Variant Classification Criteria Version 2. Collection method: clinical testing. Allele origin: germline. Affected: yes. Observed: 1 variant allele.
Comment: RIBC2: BP4, BP7